The following is an entry in ClinVar:

ClinVar aggregate classification (germline): Uncertain significance (1 of 4 stars; one submission).

Submission:

GeneDx
Classification: Uncertain significance. Last evaluated: 2024-11-03. Review status: criteria provided, single submitter. Criteria: GeneDx Variant Classification Process June 2021. Collection method: clinical testing. Allele origin: germline. Affected: yes.
Comment: Not observed at significant frequency in large population cohorts (gnomAD); In silico analysis indicates that this missense variant does not alter protein structure/function; Has not been previously published as pathogenic or benign to our knowledge

NM_000381.4(MID1):c.123C>G (p.His41Gln)

Gene: MID1 (midline 1; minus strand). Cytogenetic location: Xp22.2.
Variant type: single nucleotide variant.
Coding change: c.123C>G on transcript NM_000381.4 (MANE Select); coding-DNA position 123, C replaced by G.
Protein change: p.His41Gln; replaces histidine 41 with glutamine.
Molecular consequence: missense variant.
Genome position (GRCh38, 1-based): chrX:10,567,425, G>C on the plus strand (C>G on the coding strand, the complement: MID1 is on the minus strand). VCF-style: chrX-10567425-G-C. GRCh37 (hg19) VCF-style: chrX-10535465-G-C.
Other names: c.123C>G, p.His41Gln (NM_001098624.2, NM_001193277.1, NM_001193278.1 and 5 more transcripts); short protein forms H41Q.
Identifiers: ClinVar variation 3897510 (VCV003897510.1).
Genomic context (GRCh38, chrX:10,567,425, plus strand): 5'-ATGCCGGCAGGTGGGGCACTGGAAGGCGGTGATGGACTCCACAGACTCGTTGGTGGCACA[G>C]TGTGATACTAGGATGCGGTGGGCGCAGTTGAAGCAGAGGCTGTGTGCGCAGGGCAGTAGA-3'
Protein context (NP_000372.1, residues 31-51): FNCAHRILVS[His41Gln]CATNESVESI